The following is an entry in ClinVar:

NM_021175.4(HAMP):c.40CTC[2] (p.Leu16_Leu18del)

Gene: HAMP (hepcidin antimicrobial peptide; plus strand). Cytogenetic location: 19q13.12.
Variant type: Microsatellite.
Coding change: c.40CTC[2] on transcript NM_021175.4 (MANE Select); two copies in a row of the 3-base unit CTC starting at c.40; the reference has five copies in a row; three copies, 9 bases deleted; also written c.46_54del.
Protein change: p.Leu16_Leu18del.
Molecular consequence: inframe deletion.
Genome position (GRCh38, 1-based): chr19:35,282,623-35,282,631, CTCCTCCTC deleted; deleting any 9 consecutive bases within chr19:35,282,617-35,282,631 gives the same sequence; the position shown is the placement nearest the transcript's 3' end. VCF-style (leftmost placement, unchanged base first): chr19-35282616-GCTCCTCCTC-G. GRCh37 (hg19) VCF-style: chr19-35773519-GCTCCTCCTC-G.
Other names: c.46_54del (NM_021175.4).
Identifiers: ClinVar variation 3382949 (VCV003382949.2).

ClinVar aggregate classification (germline): Uncertain significance (1 of 4 stars; one submission).

Conditions:
Hemochromatosis type 2B (HFE2B). Also called: Juvenile-Onset Hemochromatosis; HAMP-Related Juvenile Hemochromatosis. Identifiers: Orphanet 79230, MedGen C1865616, MONDO:0013220, OMIM 613313.

Submission:

Juno Genomics, Hangzhou Juno Genomics, Inc
Classification: Uncertain significance for Hemochromatosis type 2B. Review status: criteria provided, single submitter. Criteria: ACMG Guidelines, 2015. Collection method: clinical testing. Allele origin: germline. Affected: yes.
Comment: Absent from controls (or at extremely low frequency if recessive) in Genome Aggregation Database, Exome Sequencing Project, 1000 Genomes Project, or Exome Aggregation Consortium.;Patient's phenotype or family history is highly specific for a disease with a single genetic etiology.;Protein length changes due to in-frame deletions/insertions in a non-repeat region or stop-loss variants.